The following is an entry in ClinVar:

ClinVar aggregate classification (germline): Likely benign (0 of 4 stars; one submission).

Conditions:
SEMA6B-related disorder. Also called: SEMA6B-related condition.

Submission:

PreventionGenetics, part of Exact Sciences
Classification: Likely benign for SEMA6B-related condition. Last evaluated: 2019-03-22. Review status: no assertion criteria provided. Collection method: clinical testing. Allele origin: germline.
Comment: This variant is classified as likely benign based on ACMG/AMP sequence variant interpretation guidelines (Richards et al. 2015 PMID: 25741868, with internal and published modifications).

NM_032108.4(SEMA6B):c.1140C>A (p.Ala380=)

Gene: SEMA6B (semaphorin 6B; minus strand). Cytogenetic location: 19p13.3.
Variant type: single nucleotide variant.
Coding change: c.1140C>A on transcript NM_032108.4 (MANE Select); coding-DNA position 1140, C replaced by A.
Protein change: p.Ala380=; no amino-acid change (alanine 380 retained).
Molecular consequence: synonymous variant.
Genome position (GRCh38, 1-based): chr19:4,550,254, G>T on the plus strand (C>A on the coding strand, the complement: SEMA6B is on the minus strand). VCF-style: chr19-4550254-G-T. GRCh37 (hg19) VCF-style: chr19-4550266-G-T.
Identifiers: ClinVar variation 3041412 (VCV003041412.2), dbSNP rs2512189804, ClinGen allele CA505024494.